The following is an entry in ClinVar:

NM_001379291.1(BRD4):c.1275G>A (p.Met425Ile)

Gene: BRD4 (bromodomain containing 4; minus strand). Cytogenetic location: 19p13.12.
Variant type: single nucleotide variant.
Coding change: c.1275G>A on transcript NM_001379291.1 (MANE Select); coding-DNA position 1275, G replaced by A.
Protein change: p.Met425Ile; replaces methionine 425 with isoleucine.
Molecular consequence: missense variant.
Genome position (GRCh38, 1-based): chr19:15,263,486, C>T on the plus strand (G>A on the coding strand, the complement: BRD4 is on the minus strand). VCF-style: chr19-15263486-C-T. GRCh37 (hg19) VCF-style: chr19-15374297-C-T.
Other names: c.1275G>A, p.Met425Ile (NM_001379292.1, NM_014299.3, NM_058243.3 and 1 more transcripts); short protein forms M425I.
Identifiers: ClinVar variation 1717646 (VCV001717646.5), dbSNP rs2512580043, ClinGen allele CA404483869.
Genomic context (GRCh38, chr19:15,263,486, plus strand): 5'-CTTGCGGGCCATGGCCACCACCTCATGGTCAGGAGGGTTGTACTTATAGCAGTTGGAGAA[C>T]ATCAATCGGACGTCAGCACCAAACTCCTGAGCATCACGGTACTCACGGGCCTCCAGTTTA-3'
Protein context (NP_001366220.1, residues 415-435): AQEFGADVRL[Met425Ile]FSNCYKYNPP

ClinVar aggregate classification (germline): Uncertain significance (1 of 4 stars; one submission).

Submission:

Labcorp Genetics (formerly Invitae), Labcorp
Classification: Uncertain significance. Last evaluated: 2024-01-25. Review status: criteria provided, single submitter. Criteria: Invitae Variant Classification Sherloc (09022015). Collection method: clinical testing. Allele origin: germline.
Comment: This sequence change replaces methionine, which is neutral and non-polar, with isoleucine, which is neutral and non-polar, at codon 425 of the BRD4 protein (p.Met425Ile). This variant is not present in population databases (gnomAD no frequency). This variant has not been reported in the literature in individuals affected with BRD4-related conditions. ClinVar contains an entry for this variant (Variation ID: 1717646). Advanced modeling of protein sequence and biophysical properties (such as structural, functional, and spatial information, amino acid conservation, physicochemical variation, residue mobility, and thermodynamic stability) has been performed at Invitae for this missense variant, however the output from this modeling did not meet the statistical confidence thresholds required to predict the impact of this variant on BRD4 protein function. In summary, the available evidence is currently insufficient to determine the role of this variant in disease. Therefore, it has been classified as a Variant of Uncertain Significance.